The following is an entry in ClinVar:

NC_000011.9:g.(?_108196027)_(108199975_?)del

Gene: ATM (ATM serine/threonine kinase; plus strand). Cytogenetic location: 11q22.3.
Variant type: Deletion.
Identifiers: ClinVar variation 1066289 (VCV001066289.7).

ClinVar aggregate classification (germline): Likely pathogenic (1 of 4 stars; one submission).

Conditions:
Ataxia-telangiectasia syndrome (AT). Also called: LOUIS-BAR SYNDROME; Ataxia-telangiectasia, complementation group D; AT, COMPLEMENTATION GROUP C; Cerebello-oculocutaneous telangiectasia; Immunodeficiency with ataxia telangiectasia; ATAXIA-TELANGIECTASIA, COMPLEMENTATION GROUP A. Identifiers: Orphanet 100, MedGen C0004135, MONDO:0008840, OMIM 208900.

Submission:

Labcorp Genetics (formerly Invitae), Labcorp
Classification: Likely pathogenic for Ataxia-telangiectasia syndrome. Last evaluated: 2020-04-01. Review status: criteria provided, single submitter. Criteria: Invitae Variant Classification Sherloc (09022015). Collection method: clinical testing. Allele origin: germline.
Comment: In summary, the currently available evidence indicates that the variant is pathogenic, but additional data are needed to prove that conclusively. Therefore, this variant has been classified as Likely Pathogenic. This variant disrupts the p.Val2424amino acid residue in ATM. Other variant(s) that disrupt this residue have been determined to be pathogenic (PMID: 9463314, 8755918, 18575927, 9463314, 18634022, 19431188). This suggests that this residue is clinically significant, and that variants that disrupt this residue are likely to be disease-causing. This variant has not been reported in the literature in individuals with ATM-related conditions. This variant is an in-frame deletion of the genomic region encompassing exon(s) 46-49 of the ATM gene. It preserves the integrity of the reading frame.

Literature cited by the submitters: PubMed 9463314; PubMed 8755918; PubMed 18575927; PubMed 18634022; PubMed 19431188.